The following is an entry in ClinVar:

ClinVar aggregate classification (germline): Pathogenic/Likely pathogenic. Review status: criteria provided, multiple submitters, no conflicts (2 of 4 stars). 2 submissions from 2 submitters: Pathogenic (1); Likely pathogenic (1). Last evaluated 2024-04-26.

Conditions:
Anterior segment dysgenesis 6 (ASGD6). Also called: Anterior segment dysgenesis 6, multiple subtypes. Identifiers: MedGen C4310623, MONDO:0015016, OMIM 617315.
Inborn genetic diseases. Identifiers: MedGen C0950123, MeSH D030342.

Submissions (2):

Ambry Genetics
Classification: Pathogenic for Inborn genetic diseases. Last evaluated: 2024-04-26. Review status: criteria provided, single submitter. Criteria: Ambry Variant Classification Scheme 2023. Collection method: clinical testing. Allele origin: germline.
Comment: The c.1075G>T (p.E359*) alteration, located in exon 3 (coding exon 2) of the CYP1B1 gene, consists of a G to T substitution at nucleotide position 1075. This changes the amino acid from a glutamic acid (E) to a stop codon at amino acid position 359. This alteration occurs at the 3' terminus of the CYP1B1 gene, is not expected to trigger nonsense-mediated mRNA decay, and impacts the last 34.1% of the protein. Premature stop codons are typically deleterious in nature. The impacted region is critical for protein function and a significant portion of the protein is affected (Ambry internal data). This variant was not reported in population-based cohorts in the Genome Aggregation Database (gnomAD). Based on the available evidence, this alteration is classified as pathogenic.

Baylor Genetics
Classification: Likely pathogenic for Anterior segment dysgenesis 6. Last evaluated: 2024-03-30. Review status: criteria provided, single submitter. Criteria: ACMG Guidelines, 2015. Collection method: clinical testing. Allele origin: unknown.

NM_000104.4(CYP1B1):c.1075G>T (p.Glu359Ter)

Gene: CYP1B1 (cytochrome P450 family 1 subfamily B member 1; minus strand). Cytogenetic location: 2p22.2.
Variant type: single nucleotide variant.
Coding change: c.1075G>T on transcript NM_000104.4 (MANE Select); coding-DNA position 1075, G replaced by T.
Protein change: p.Glu359Ter; replaces glutamic acid 359 with a stop codon.
Molecular consequence: nonsense.
Genome position (GRCh38, 1-based): chr2:38,071,279, C>A on the plus strand (G>T on the coding strand, the complement: CYP1B1 is on the minus strand). VCF-style: chr2-38071279-C-A. GRCh37 (hg19) VCF-style: chr2-38298422-C-A.
Other names: c.1075G>T (NM_000104.3); short protein forms E359*.
Identifiers: ClinVar variation 2681125 (VCV002681125.3), dbSNP rs1682429616, ClinGen allele CA346327908.
Genomic context (GRCh38, chr2:38,071,279, plus strand): 5'-GCAGGTTGGGCTGGTCACCCATACAAGGCAGACGGTCCCTCCCCACGACCTGATCCAATT[C>A]TGCCTGCACTCGAGTCTGCACATCAGGATACCTGTTTGGTGTTTAATGTGGAGAGAGAAA-3'